The following is an entry in ClinVar:

ClinVar aggregate classification (germline): Uncertain significance. Review status: criteria provided, multiple submitters, no conflicts (2 of 4 stars). 2 submissions from 2 submitters: Uncertain significance (2). Last evaluated 2023-12-12.

Conditions:
Tuberous sclerosis 2 (TSC2). Identifiers: Orphanet 805, MedGen C1860707, MONDO:0013199, OMIM 613254.
Hereditary cancer-predisposing syndrome. Also called: Hereditary Cancer Syndrome; Hereditary neoplastic syndrome; Tumor predisposition; Neoplastic Syndromes, Hereditary. Identifiers: Orphanet 140162, MedGen C0027672, MeSH D009386, MONDO:0015356.

Submissions (2):

Ambry Genetics
Classification: Uncertain significance for Hereditary cancer-predisposing syndrome. Last evaluated: 2023-12-12. Review status: criteria provided, single submitter. Criteria: Ambry Variant Classification Scheme 2023. Collection method: clinical testing. Allele origin: germline.
Comment: The p.C977* variant (also known as c.2931C>A), located in coding exon 25 of the TSC2 gene, results from a C to A substitution at nucleotide position 2931. This changes the amino acid from a cysteine to a stop codon within coding exon 25. Nonsense alterations are expected to result in loss of function by premature protein truncation or nonsense-mediated mRNA decay; however, this variant occurs in an exon that is excluded in biologically relevant transcripts (Ekong R et al. Hum. Mutat., 2016 Apr;37:364-70). Since supporting evidence is limited at this time, the clinical significance of this alteration remains unclear.

Labcorp Genetics (formerly Invitae), Labcorp
Classification: Uncertain significance for Tuberous sclerosis 2. Last evaluated: 2022-09-01. Review status: criteria provided, single submitter. Criteria: Invitae Variant Classification Sherloc (09022015). Collection method: clinical testing. Allele origin: germline.
Comment: In summary, the available evidence is currently insufficient to determine the role of this variant in disease. Therefore, it has been classified as a Variant of Uncertain Significance. Algorithms developed to predict the effect of sequence changes on RNA splicing suggest that this variant may create or strengthen a splice site. ClinVar contains an entry for this variant (Variation ID: 1362820). This variant has not been reported in the literature in individuals affected with TSC2-related conditions. This variant is not present in population databases (gnomAD no frequency). Loss-of-function variants in TSC2 are known to be pathogenic (PMID: 10205261, 17304050). However, tissue-specific alternative splicing of TSC2 gene results in a functional isoform lacking in-frame exon 26 (also known as exon 25, PMID: 26703369). For this reason the clinical significance of loss of function variants in exon 26 is currently uncertain. While this is not anticipated to result in nonsense mediated decay, it is expected to disrupt the last 831 amino acid(s) of the TSC2 protein.

Literature cited by the submitters: PubMed 10205261 (cited by Labcorp Genetics (formerly Invitae), Labcorp); PubMed 17304050 (cited by Labcorp Genetics (formerly Invitae), Labcorp).

NM_000548.5(TSC2):c.2931C>A (p.Cys977Ter)

Gene: TSC2 (TSC complex subunit 2; plus strand). Cytogenetic location: 16p13.3.
Variant type: single nucleotide variant.
Coding change: c.2931C>A on transcript NM_000548.5 (MANE Select); coding-DNA position 2931, C replaced by A.
Protein change: p.Cys977Ter; replaces cysteine 977 with a stop codon.
Molecular consequence: nonsense. On other transcripts: intron variant (9).
Genome position (GRCh38, 1-based): chr16:2,077,691, C>A. VCF-style: chr16-2077691-C-A. GRCh37 (hg19) VCF-style: chr16-2127692-C-A.
Other names: c.2931C>A (NM_000548.3); c.2931C>A, p.Cys977Ter (NM_001114382.3); c.2837+1106C>A (NM_021055.3, NM_001370405.1, NM_001363528.2 and 2 more transcripts); c.2726+1106C>A (NM_001318827.2); c.2237+1106C>A (NM_001318831.2); c.2690+1106C>A (NM_001318829.2); c.2870+1106C>A (NM_001318832.2); short protein forms C977*.
Identifiers: ClinVar variation 1362820 (VCV001362820.7), dbSNP rs2089593888, ClinGen allele CA394281398.